The following is an entry in ClinVar:

ClinVar aggregate classification (germline): Pathogenic/Likely pathogenic. Review status: criteria provided, multiple submitters, no conflicts (2 of 4 stars). 2 submissions from 2 submitters: Pathogenic (1); Likely pathogenic (1). Last evaluated 2024-09-19.

Conditions:
Neuronal ceroid lipofuscinosis 11. Also called: GRN-Related Neuronal Ceroid-Lipofuscinosis. Identifiers: Orphanet 314629, Orphanet 79262, MedGen C3539123, MONDO:0013866, OMIM 614706.
GRN-related frontotemporal lobar degeneration with Tdp43 inclusions (FTD2). Also called: FRONTOTEMPORAL LOBAR DEGENERATION WITH UBIQUITIN-POSITIVE INCLUSIONS; FTLD-TDP, GRN-RELATED; GRN Frontotemporal Dementia; FRONTOTEMPORAL DEMENTIA WITH TDP43 INCLUSIONS, GRN-RELATED; DEMENTIA, HEREDITARY DYSPHASIC DISINHIBITION. Identifiers: Orphanet 100070, Orphanet 282, MedGen C1843792, MONDO:0011842, OMIM 607485. Disease mechanism: loss of function.

Submissions (2):

Labcorp Genetics (formerly Invitae), Labcorp
Classification: Pathogenic for Neuronal ceroid lipofuscinosis 11; GRN-related frontotemporal lobar degeneration with Tdp43 inclusions. Last evaluated: 2024-09-19. Review status: criteria provided, single submitter. Criteria: Invitae Variant Classification Sherloc (09022015). Collection method: clinical testing. Allele origin: germline.
Comment: This sequence change creates a premature translational stop signal (p.Trp2*) in the GRN gene. It is expected to result in an absent or disrupted protein product. Loss-of-function variants in GRN are known to be pathogenic (PMID: 16862116, 16950801, 22608501). This variant is not present in population databases (gnomAD no frequency). This premature translational stop signal has been observed in individual(s) with frontotemporal dementia (PMID: 29520145). ClinVar contains an entry for this variant (Variation ID: 447477). For these reasons, this variant has been classified as Pathogenic.

Athena Diagnostics
Classification: Likely pathogenic. Last evaluated: 2016-12-01. Review status: criteria provided, single submitter. Criteria: Athena Diagnostics Criteria. Collection method: clinical testing. Allele origin: germline.

Literature cited by the submitters: PubMed 16862116 (cited by Labcorp Genetics (formerly Invitae), Labcorp); PubMed 16950801 (cited by Labcorp Genetics (formerly Invitae), Labcorp); PubMed 22608501 (cited by Labcorp Genetics (formerly Invitae), Labcorp); PubMed 29520145 (cited by Labcorp Genetics (formerly Invitae), Labcorp).

NM_002087.4(GRN):c.6G>A (p.Trp2Ter)

Gene: GRN (granulin precursor; plus strand). Cytogenetic location: 17q21.31.
Variant type: single nucleotide variant.
Coding change: c.6G>A on transcript NM_002087.4 (MANE Select); coding-DNA position 6, G replaced by A.
Protein change: p.Trp2Ter; replaces tryptophan 2 with a stop codon.
Molecular consequence: nonsense.
Genome position (GRCh38, 1-based): chr17:44,349,170, G>A. VCF-style: chr17-44349170-G-A. GRCh37 (hg19) VCF-style: chr17-42426538-G-A.
Other names: short protein forms W2*.
Identifiers: ClinVar variation 447477 (VCV000447477.3), dbSNP rs1555610855, ClinGen allele CA399758984.